The following is an entry in ClinVar:

NM_004064.5(CDKN1B):c.317G>C (p.Ser106Thr)

Gene: CDKN1B (cyclin dependent kinase inhibitor 1B; plus strand). Cytogenetic location: 12p13.1.
Variant type: single nucleotide variant.
Coding change: c.317G>C on transcript NM_004064.5 (MANE Select); coding-DNA position 317, G replaced by C.
Protein change: p.Ser106Thr; replaces serine 106 with threonine.
Molecular consequence: missense variant.
Genome position (GRCh38, 1-based): chr12:12,718,156, G>C. VCF-style: chr12-12718156-G-C. GRCh37 (hg19) VCF-style: chr12-12871090-G-C.
Other names: short protein forms S106T.
Identifiers: ClinVar variation 1728526 (VCV001728526.9), dbSNP rs936889164, ClinGen allele CA233060219.

ClinVar aggregate classification (germline): Uncertain significance. Review status: criteria provided, multiple submitters, no conflicts (2 of 4 stars). 2 submissions from 2 submitters: Uncertain significance (2). Last evaluated 2025-11-19.

Conditions:
Multiple endocrine neoplasia type 4. Also called: MULTIPLE ENDOCRINE NEOPLASIA, TYPE IV. Identifiers: Orphanet 276152, MedGen C1970712, MONDO:0012552, OMIM 610755.
Hereditary cancer-predisposing syndrome. Also called: Neoplastic Syndromes, Hereditary; Tumor predisposition; Hereditary Cancer Syndrome; Hereditary neoplastic syndrome. Identifiers: Orphanet 140162, MedGen C0027672, MeSH D009386, MONDO:0015356.

Allele frequency attached by ClinVar (database versions not stated): gnomAD exomes below 0.00001; gnomAD 0.00001; TOPMed 0.00003.

Submissions (2):

Ambry Genetics
Classification: Uncertain significance for Hereditary cancer-predisposing syndrome. Last evaluated: 2025-11-19. Review status: criteria provided, single submitter. Criteria: Ambry Variant Classification Scheme 2023. Collection method: clinical testing. Allele origin: germline.
Comment: The p.S106T variant (also known as c.317G>C), located in coding exon 1 of the CDKN1B gene, results from a G to C substitution at nucleotide position 317. The serine at codon 106 is replaced by threonine, an amino acid with similar properties. This amino acid position is not well conserved in available vertebrate species. In addition, this alteration is predicted to be tolerated by in silico analysis. Since supporting evidence is limited at this time, the clinical significance of this alteration remains unclear.

Labcorp Genetics (formerly Invitae), Labcorp
Classification: Uncertain significance for Multiple endocrine neoplasia type 4. Last evaluated: 2025-09-17. Review status: criteria provided, single submitter. Criteria: Invitae Variant Classification Sherloc (09022015). Collection method: clinical testing. Allele origin: germline.
Comment: This sequence change replaces serine, which is neutral and polar, with threonine, which is neutral and polar, at codon 106 of the CDKN1B protein (p.Ser106Thr). This variant is not present in population databases (gnomAD no frequency). This variant has not been reported in the literature in individuals affected with CDKN1B-related conditions. ClinVar contains an entry for this variant (Variation ID: 1728526). An algorithm developed to predict the effect of missense changes on protein structure and function (PolyPhen-2) suggests that this variant is likely to be tolerated. In summary, the available evidence is currently insufficient to determine the role of this variant in disease. Therefore, it has been classified as a Variant of Uncertain Significance.